The following is an entry in ClinVar:

NM_000059.4(BRCA2):c.6048T>G (p.Phe2016Leu)

Gene: BRCA2 (BRCA2 DNA repair associated; plus strand). Cytogenetic location: 13q13.1.
Variant type: single nucleotide variant.
Coding change: c.6048T>G on transcript NM_000059.4 (MANE Select); coding-DNA position 6048, T replaced by G.
Protein change: p.Phe2016Leu; replaces phenylalanine 2016 with leucine.
Molecular consequence: missense variant. On other transcripts: non-coding transcript variant (1), intron variant (2).
Genome position (GRCh38, 1-based): chr13:32,340,403, T>G. VCF-style: chr13-32340403-T-G. GRCh37 (hg19) VCF-style: chr13-32914540-T-G.
Other names: c.6048T>G, p.Phe2016Leu (NM_001406719.1, NM_001406720.1); c.1910-4155T>G (NM_001406721.1); c.425-4155T>G (NM_001406722.1); short protein forms F2016L.
Identifiers: ClinVar variation 2862747 (VCV002862747.4), dbSNP rs2548532436, ClinGen allele CA387787864.
Genomic context (GRCh38, chr13:32,340,403, plus strand): 5'-AAGACAAGTGTTTTCTGAAATAGAAGATAGTACCAAGCAAGTCTTTTCCAAAGTATTGTT[T>G]AAAAGTAACGAACATTCAGACCAGCTCACAAGAGAAGAAAATACTGCTATACGTACTCCA-3'
Protein context (NP_000050.3, residues 2006-2026): STKQVFSKVL[Phe2016Leu]KSNEHSDQLT

ClinVar aggregate classification (germline): Uncertain significance. Review status: criteria provided, multiple submitters, no conflicts (2 of 4 stars). 2 submissions from 2 submitters: Uncertain significance (2). Last evaluated 2024-09-16.

Conditions:
Hereditary cancer-predisposing syndrome. Also called: Hereditary neoplastic syndrome; Tumor predisposition; Neoplastic Syndromes, Hereditary; Hereditary Cancer Syndrome. Identifiers: Orphanet 140162, MedGen C0027672, MeSH D009386, MONDO:0015356.
Hereditary breast ovarian cancer syndrome. Also called: Hereditary breast and ovarian cancer syndrome; Hereditary breast and/or ovarian cancer syndrome; BRCA1- and BRCA2-Associated Hereditary Breast and Ovarian Cancer; Hereditary breast and ovarian cancer syndrome (HBOC); Hereditary breast and ovarian cancer; Breast and ovarian cancer. Identifiers: Orphanet 145, MedGen C0677776, MeSH D061325, MONDO:0003582. Disease mechanism: loss of function.

Allele frequency attached by ClinVar (database versions not stated): gnomAD exomes below 0.00001.
gnomAD v4.1: 1 of 1,613,756 alleles (0.000062%); highest among the groups gnomAD compares: Non-Finnish European, 0.000085%; no homozygotes.

Submissions (2):

Ambry Genetics
Classification: Uncertain significance for Hereditary cancer-predisposing syndrome. Last evaluated: 2024-09-16. Review status: criteria provided, single submitter. Criteria: Ambry Variant Classification Scheme 2023. Collection method: clinical testing. Allele origin: germline.
Comment: The p.F2016L variant (also known as c.6048T>G), located in coding exon 10 of the BRCA2 gene, results from a T to G substitution at nucleotide position 6048. The phenylalanine at codon 2016 is replaced by leucine, an amino acid with highly similar properties. This amino acid position is conserved. In addition, this alteration is predicted to be tolerated by in silico analysis. Based on the available evidence, the clinical significance of this variant remains unclear.

Labcorp Genetics (formerly Invitae), Labcorp
Classification: Uncertain significance for Hereditary breast ovarian cancer syndrome. Last evaluated: 2023-05-09. Review status: criteria provided, single submitter. Criteria: Invitae Variant Classification Sherloc (09022015). Collection method: clinical testing. Allele origin: germline.
Comment: In summary, the available evidence is currently insufficient to determine the role of this variant in disease. Therefore, it has been classified as a Variant of Uncertain Significance. This sequence change replaces phenylalanine, which is neutral and non-polar, with leucine, which is neutral and non-polar, at codon 2016 of the BRCA2 protein (p.Phe2016Leu). This variant is not present in population databases (gnomAD no frequency). This variant has not been reported in the literature in individuals affected with BRCA2-related conditions. Advanced modeling of protein sequence and biophysical properties (such as structural, functional, and spatial information, amino acid conservation, physicochemical variation, residue mobility, and thermodynamic stability) performed at Invitae indicates that this missense variant is not expected to disrupt BRCA2 protein function.